The following is an entry in ClinVar:

ClinVar aggregate classification (germline): Likely benign (1 of 4 stars; one submission).

Allele frequency attached by ClinVar (database versions not stated): 1000 Genomes Project 30x 0.00172; 1000 Genomes Project 0.00180; ExAC 0.00332; TOPMed 0.00332; gnomAD 0.00356; ESP Exome Variant Server 0.00377.
gnomAD v4.1: 6,350 of 1,613,370 alleles (0.39%); highest among the groups gnomAD compares: Middle Eastern, 0.89%; 25 homozygotes.

Submission:

CeGaT Center for Human Genetics Tuebingen
Classification: Likely benign. Last evaluated: 2023-03-01. Review status: criteria provided, single submitter. Criteria: CeGaT Center For Human Genetics Tuebingen Variant Classification Criteria Version 2. Collection method: clinical testing. Allele origin: germline. Affected: yes. Observed: 2 variant alleles.
Comment: SERPINA3: BS2

NM_001085.5(SERPINA3):c.*7C>A

Gene: SERPINA3 (serpin family A member 3; plus strand). Cytogenetic location: 14q32.13.
Variant type: single nucleotide variant.
Coding change: c.*7C>A on transcript NM_001085.5 (MANE Select); 7 bases downstream of the stop codon, C replaced by A.
Molecular consequence: 3 prime UTR variant.
Genome position (GRCh38, 1-based): chr14:94,623,821, C>A. VCF-style: chr14-94623821-C-A. GRCh37 (hg19) VCF-style: chr14-95090158-C-A.
Other names: c.*7C>A (NM_001384672.1, NM_001384673.1, NM_001384674.1).
Identifiers: ClinVar variation 2644487 (VCV002644487.24), dbSNP rs144319070, ClinGen allele CA7330069.
Genomic context (GRCh38, chr14:94,623,821, plus strand): 5'-GACACCCAGAACATCTTCTTCATGAGCAAAGTCACCAATCCCAAGCAAGCCTAGAGCTTG[C>A]CATCAAGCAGTGGGGCTCTCAGTAAGGAACTTGGAATGCAAGCTGGATGCCTGGGTCTCT-3'